The following is an entry in ClinVar:

NM_175914.5(HNF4A):c.225-8C>T

Gene: HNF4A (hepatocyte nuclear factor 4 alpha; plus strand). Cytogenetic location: 20q13.12.
Variant type: single nucleotide variant.
Coding change: c.225-8C>T on transcript NM_175914.5 (MANE Select); 8 bases into the intron before coding-DNA position 225, C replaced by T.
Molecular consequence: intron variant.
Genome position (GRCh38, 1-based): chr20:44,407,373, C>T. VCF-style: chr20-44407373-C-T. GRCh37 (hg19) VCF-style: chr20-43036013-C-T.
Other names: c.216-8C>T (NM_001287182.2, NM_001287183.2, NM_001287184.2); c.225-8C>T (NM_001030003.3, NM_001030004.3); c.270-8C>T (NM_001258355.2); c.291-8C>T (NM_178849.3, NM_000457.6, NM_178850.3).
Identifiers: ClinVar variation 728588 (VCV000728588.5), dbSNP rs759922116, ClinGen allele CA9870199.

ClinVar aggregate classification (germline): Likely benign. Review status: criteria provided, multiple submitters, no conflicts (2 of 4 stars). 3 submissions from 3 submitters: Likely benign (3). Last evaluated 2026-01-13.

Conditions:
Maturity-onset diabetes of the young (MODY). Also called: Maturity onset diabetes mellitus in young. Identifiers: Orphanet 552, MedGen C0342276, MONDO:0018911, HP:0004904.

Allele frequency attached by ClinVar (database versions not stated): TOPMed 0.00003; gnomAD 0.00006.
gnomAD v4.1: 18 of 1,605,386 alleles (0.0011%); highest among the groups gnomAD compares: African/African-American, 0.0027%; no homozygotes.

Submissions (3):

Women's Health and Genetics/Laboratory Corporation of America, LabCorp
Classification: Likely benign. Last evaluated: 2026-01-13. Review status: criteria provided, single submitter. Criteria: LabCorp Variant Classification Summary - May 2015. Collection method: clinical testing. Allele origin: germline.

Labcorp Genetics (formerly Invitae), Labcorp
Classification: Likely benign. Last evaluated: 2018-06-13. Review status: criteria provided, single submitter. Criteria: Invitae Variant Classification Sherloc (09022015). Collection method: clinical testing. Allele origin: germline.

Clinical Genomics, Uppaluri K&H Personalized Medicine Clinic
Classification: Likely benign for Maturity-onset diabetes of the young. Review status: criteria provided, single submitter. Criteria: K & H Uppaluri Personalized Medicine Clinic Variant Classification & Assertion Criteria_Updated V.1. Collection method: research. Allele origin: unknown. Inheritance: Autosomal dominant inheritance.
Comment: Potent mutations in HNF4A are associated with poor insulin secretion in response to hyperglycemia. Associated with MODY1. Patients initially respond well to sulfonylureas but eventually become insulin dependent. However, more evidence is required to ascertain the role of this particular variant rs759922116 in MODY, yet.

Literature cited by the submitters: DOI 10.1159/000334532 (cited by Clinical Genomics, Uppaluri K&H Personalized Medicine Clinic); PubMed 18268044 (cited by Clinical Genomics, Uppaluri K&H Personalized Medicine Clinic); PubMed 17563455 (cited by Clinical Genomics, Uppaluri K&H Personalized Medicine Clinic); PubMed 32583173 (cited by Clinical Genomics, Uppaluri K&H Personalized Medicine Clinic); PubMed 35052457 (cited by Clinical Genomics, Uppaluri K&H Personalized Medicine Clinic); PubMed 35118593 (cited by Clinical Genomics, Uppaluri K&H Personalized Medicine Clinic).